The following is an entry in ClinVar:

NM_020832.3(ZNF687):c.316G>A (p.Gly106Arg)

Gene: ZNF687 (zinc finger protein 687; plus strand). Cytogenetic location: 1q21.3.
Variant type: single nucleotide variant.
Coding change: c.316G>A on transcript NM_020832.3 (MANE Select); coding-DNA position 316, G replaced by A.
Protein change: p.Gly106Arg; replaces glycine 106 with arginine.
Molecular consequence: missense variant.
Genome position (GRCh38, 1-based): chr1:151,286,607, G>A. VCF-style: chr1-151286607-G-A. GRCh37 (hg19) VCF-style: chr1-151259083-G-A.
Other names: c.316G>A, p.Gly106Arg (NM_001304763.2, NM_001304764.2); short protein forms G106R.
Identifiers: ClinVar variation 2991066 (VCV002991066.3), dbSNP rs746046631, ClinGen allele CA29516912.

ClinVar aggregate classification (germline): Uncertain significance (1 of 4 stars; one submission).

Allele frequency attached by ClinVar (database versions not stated): gnomAD 0.00001; gnomAD exomes 0.00001; TOPMed 0.00001.

Submission:

Labcorp Genetics (formerly Invitae), Labcorp
Classification: Uncertain significance. Last evaluated: 2022-12-07. Review status: criteria provided, single submitter. Criteria: Invitae Variant Classification Sherloc (09022015). Collection method: clinical testing. Allele origin: germline.
Comment: In summary, the available evidence is currently insufficient to determine the role of this variant in disease. Therefore, it has been classified as a Variant of Uncertain Significance. Algorithms developed to predict the effect of missense changes on protein structure and function (SIFT, PolyPhen-2, Align-GVGD) all suggest that this variant is likely to be tolerated. This variant has not been reported in the literature in individuals affected with ZNF687-related conditions. This variant is present in population databases (rs746046631, gnomAD 0.003%). This sequence change replaces glycine, which is neutral and non-polar, with arginine, which is basic and polar, at codon 106 of the ZNF687 protein (p.Gly106Arg).